The following is an entry in ClinVar:

ClinVar aggregate classification (germline): Conflicting classifications of pathogenicity. Review status: criteria provided, conflicting classifications (1 of 4 stars). 3 submissions from 3 submitters: Uncertain significance (2); Benign (1). Last evaluated 2026-01-05.

Conditions:
Tuberous sclerosis 2 (TSC2). Identifiers: Orphanet 805, MedGen C1860707, MONDO:0013199, OMIM 613254.
Hereditary cancer-predisposing syndrome. Also called: Tumor predisposition; Hereditary neoplastic syndrome; Neoplastic Syndromes, Hereditary; Hereditary Cancer Syndrome. Identifiers: Orphanet 140162, MedGen C0027672, MeSH D009386, MONDO:0015356.
Tuberous sclerosis syndrome (TSC). Also called: Tuberous Sclerosis Complex; Tuberous sclerosis. Identifiers: Orphanet 805, MedGen C0041341, MONDO:0001734.

Allele frequency attached by ClinVar (database versions not stated): gnomAD exomes below 0.00001; gnomAD 0.00001.
gnomAD v4.1: 2 of 1,612,786 alleles (0.00012%); highest among the groups gnomAD compares: Non-Finnish European, 0.00017%; no homozygotes.

Submissions (3):

Labcorp Genetics (formerly Invitae), Labcorp
Classification: Benign for Tuberous sclerosis 2. Last evaluated: 2026-01-05. Review status: criteria provided, single submitter. Criteria: Invitae Variant Classification Sherloc (09022015). Collection method: clinical testing. Allele origin: germline.

Color Diagnostics, LLC DBA Color Health
Classification: Uncertain significance for Tuberous sclerosis syndrome. Last evaluated: 2025-08-25. Review status: criteria provided, single submitter. Criteria: ACMG Guidelines, 2015. Collection method: clinical testing. Allele origin: germline.
Comment: This missense variant replaces aspartic acid with glutamic acid at codon 1586 of the TSC2 protein. Computational prediction suggests that this variant may have deleterious impact on protein structure and function. To our knowledge, functional studies have not been reported for this variant. This variant has not been reported in individuals affected with TSC2-related disorders in the literature. This variant has not been identified in the general population by the Genome Aggregation Database (gnomAD). The available evidence is insufficient to determine the role of this variant in disease conclusively. Therefore, this variant is classified as a Variant of Uncertain Significance.

Ambry Genetics
Classification: Uncertain significance for Hereditary cancer-predisposing syndrome. Last evaluated: 2025-08-21. Review status: criteria provided, single submitter. Criteria: Ambry Variant Classification Scheme 2023. Collection method: clinical testing. Allele origin: germline.
Comment: The p.D1586E variant (also known as c.4758C>G), located in coding exon 36 of the TSC2 gene, results from a C to G substitution at nucleotide position 4758. The aspartic acid at codon 1586 is replaced by glutamic acid, an amino acid with highly similar properties. This amino acid position is well conserved in available vertebrate species. In addition, this alteration is predicted to be deleterious by in silico analysis. Since supporting evidence is limited at this time, the clinical significance of this alteration remains unclear.

NM_000548.5(TSC2):c.4758C>G (p.Asp1586Glu)

Gene: TSC2 (TSC complex subunit 2; plus strand). Cytogenetic location: 16p13.3.
Variant type: single nucleotide variant.
Coding change: c.4758C>G on transcript NM_000548.5 (MANE Select); coding-DNA position 4758, C replaced by G.
Protein change: p.Asp1586Glu; replaces aspartic acid 1586 with glutamic acid.
Molecular consequence: missense variant.
Genome position (GRCh38, 1-based): chr16:2,086,288, C>G. VCF-style: chr16-2086288-C-G. GRCh37 (hg19) VCF-style: chr16-2136289-C-G.
Other names: c.4557C>G, p.Asp1519Glu (NM_001077183.3); c.4689C>G, p.Asp1563Glu (NM_001114382.3); c.4449C>G, p.Asp1483Glu (NM_001318827.2); c.4413C>G, p.Asp1471Glu (NM_001318829.2); c.4026C>G, p.Asp1342Glu (NM_001318831.2); c.4590C>G, p.Asp1530Glu (NM_001318832.2); c.4560C>G, p.Asp1520Glu (NM_001363528.2); c.4626C>G, p.Asp1542Glu (NM_001370404.1); and 1 more; short protein forms D1530E, D1563E, D1471E, D1519E, D1520E, D1542E, D1543E, D1342E.
Identifiers: ClinVar variation 1519329 (VCV001519329.10), dbSNP rs1366814192, ClinGen allele CA394307812.
Genomic context (GRCh38, chr16:2,086,288, plus strand): 5'-TGGCTCCTACAGGTACACGGAGTTCCTGACGGGCCTGGGCCGGCTCATCGAGCTGAAGGA[C>G]TGCCAGCCGGACAAGGTGTACCTGGGAGGCCTGGACGTGTGTGGTGAGGACGGCCAGTTC-3'
Protein context (NP_000539.2, residues 1576-1596): TGLGRLIELK[Asp1586Glu]CQPDKVYLGG